The following is an entry in ClinVar:

ClinVar aggregate classification (germline): Pathogenic (1 of 4 stars; one submission).

gnomAD v4.1: 4 of 1,614,112 alleles (0.00025%); highest among the groups gnomAD compares: Non-Finnish European, 0.00034%; no homozygotes.

Submission:

Labcorp Genetics (formerly Invitae), Labcorp
Classification: Pathogenic. Last evaluated: 2025-02-26. Review status: criteria provided, single submitter. Criteria: Invitae Variant Classification Sherloc (09022015). Collection method: clinical testing. Allele origin: germline.
Comment: This sequence change creates a premature translational stop signal (p.Arg445*) in the MERTK gene. It is expected to result in an absent or disrupted protein product. Loss-of-function variants in MERTK are known to be pathogenic (PMID: 24265693, 29659094). This variant is not present in population databases (gnomAD no frequency). This variant has not been reported in the literature in individuals affected with MERTK-related conditions. For these reasons, this variant has been classified as Pathogenic.

Literature cited by the submitters: PubMed 24265693; PubMed 29659094.

NM_006343.3(MERTK):c.1333C>T (p.Arg445Ter)

Gene: MERTK (MER proto-oncogene, tyrosine kinase; plus strand). Cytogenetic location: 2q13.
Variant type: single nucleotide variant.
Coding change: c.1333C>T on transcript NM_006343.3 (MANE Select); coding-DNA position 1333, C replaced by T.
Protein change: p.Arg445Ter; replaces arginine 445 with a stop codon.
Molecular consequence: nonsense.
Genome position (GRCh38, 1-based): chr2:111,994,287, C>T. VCF-style: chr2-111994287-C-T. GRCh37 (hg19) VCF-style: chr2-112751864-C-T.
Other names: short protein forms R445*.
Identifiers: ClinVar variation 4804123 (VCV004804123.1).
Genomic context (GRCh38, chr2:111,994,287, plus strand): 5'-TCCTCTCTTCCTCTCTGTCTCCAGAAAGAGCTCTTGGAGGAAGTTGGCCAGAATGGCAGC[C>T]GAGCTCGGATCTCTGTTCAAGTCCACAATGCTACGTGCACAGTGAGGATTGCAGCCGTCA-3'